The following is an entry in ClinVar:

ClinVar aggregate classification (germline): Likely pathogenic (1 of 4 stars; one submission).

gnomAD v4.1: 3 of 1,614,170 alleles (0.00019%); highest among the groups gnomAD compares: Non-Finnish European, 0.00025%; no homozygotes.

Submissions (2):

Labcorp Genetics (formerly Invitae), Labcorp
Classification: Likely pathogenic. Last evaluated: 2025-11-05. Review status: criteria provided, single submitter. Criteria: Invitae Variant Classification Sherloc (09022015). Collection method: clinical testing. Allele origin: germline.
Comment: This sequence change replaces arginine, which is basic and polar, with histidine, which is basic and polar, at codon 2039 of the NSD1 protein (p.Arg2039His). This variant is not present in population databases (gnomAD no frequency). This variant has not been reported in the literature in individuals affected with NSD1-related conditions. Invitae Evidence Modeling of protein sequence and biophysical properties (such as structural, functional, and spatial information, amino acid conservation, physicochemical variation, residue mobility, and thermodynamic stability) indicates that this missense variant is expected to disrupt NSD1 protein function with a positive predictive value of 95%. This variant disrupts the p.Arg2039 amino acid residue in NSD1. Other variant(s) that disrupt this residue have been determined to be pathogenic (PMID: 21738022). This suggests that this residue is clinically significant, and that variants that disrupt this residue are likely to be disease-causing. In summary, the currently available evidence indicates that the variant is pathogenic, but additional data are needed to prove that conclusively. Therefore, this variant has been classified as Likely Pathogenic.

Dr. Peter K. Rogan Lab, Western University
No classification provided (evidence only). Condition: Gastric cancer. Review status: no classification provided. Collection method: in vitro. Allele origin: not applicable. Functional consequence: retained intron. Not counted in ClinVar's aggregate classification.

Literature cited by the submitters: PubMed 21738022 (cited by Labcorp Genetics (formerly Invitae), Labcorp).

NM_022455.5(NSD1):c.6116G>A (p.Arg2039His)

Gene: NSD1 (nuclear receptor binding SET domain protein 1; plus strand). Cytogenetic location: 5q35.3.
Variant type: single nucleotide variant.
Coding change: c.6116G>A on transcript NM_022455.5 (MANE Select); coding-DNA position 6116, G replaced by A.
Protein change: p.Arg2039His; replaces arginine 2039 with histidine.
Molecular consequence: missense variant. On other transcripts: intron variant (1).
Genome position (GRCh38, 1-based): chr5:177,283,893, G>A. VCF-style: chr5-177283893-G-A. GRCh37 (hg19) VCF-style: chr5-176710894-G-A.
Other names: NC_000005.9:g.176710894G>A; c.5243G>A, p.Arg1748His (NM_001365684.2, NM_001409308.1, NM_172349.5); c.6116G>A, p.Arg2039His (NM_001409301.1, NM_001409302.1, NM_001409303.1); c.5696G>A, p.Arg1899His (NM_001409304.1); c.5363G>A, p.Arg1788His (NM_001409305.1); c.5354G>A, p.Arg1785His (NM_001409306.1, NM_001409307.1); c.5136+1312G>A (NM_001409309.1); short protein forms R1748H, R1785H, R1788H, R2039H, R1899H.
Identifiers: ClinVar variation 4314458 (VCV004314458.2).